The following is an entry in ClinVar:

ClinVar aggregate classification (germline): Uncertain significance (1 of 4 stars; one submission).

Conditions:
Episodic ataxia type 2 (EA2). Also called: ACETAZOLAMIDE-RESPONSIVE HEREDITARY PAROXYSMAL CEREBELLAR ATAXIA; ATAXIA, EPISODIC, WITH NYSTAGMUS; ATAXIA, FAMILIAL PAROXYSMAL; CEREBELLAR ATAXIA, PAROXYSMAL, ACETAZOLAMIDE-RESPONSIVE; CEREBELLOPATHY, HEREDITARY PAROXYSMAL; EPISODIC ATAXIA, NYSTAGMUS-ASSOCIATED. Identifiers: Orphanet 97, MedGen C1720416, MONDO:0007163, OMIM 108500.
Developmental and epileptic encephalopathy, 42 (DEE42A). Also called: Epileptic encephalopathy, early infantile, 42; DEVELOPMENTAL AND EPILEPTIC ENCEPHALOPATHY 42A; EPILEPTIC ENCEPHALOPATHY, EARLY INFANTILE, 42A. Identifiers: MedGen C4310716, MONDO:0014917, OMIM 617106.

Submission:

Labcorp Genetics (formerly Invitae), Labcorp
Classification: Uncertain significance for Developmental and epileptic encephalopathy, 42; Episodic ataxia type 2. Last evaluated: 2025-09-21. Review status: criteria provided, single submitter. Criteria: Invitae Variant Classification Sherloc (09022015). Collection method: clinical testing. Allele origin: germline.
Comment: This sequence change replaces valine, which is neutral and non-polar, with alanine, which is neutral and non-polar, at codon 1383 of the CACNA1A protein (p.Val1383Ala). This variant is not present in population databases (gnomAD no frequency). This variant has not been reported in the literature in individuals affected with CACNA1A-related conditions. Invitae Evidence Modeling of protein sequence and biophysical properties (such as structural, functional, and spatial information, amino acid conservation, physicochemical variation, residue mobility, and thermodynamic stability) indicates that this missense variant is expected to disrupt CACNA1A protein function with a positive predictive value of 95%. In summary, the available evidence is currently insufficient to determine the role of this variant in disease. Therefore, it has been classified as a Variant of Uncertain Significance.

NM_001127222.2(CACNA1A):c.4145T>C (p.Val1382Ala)

Genes: CACNA1A (calcium voltage-gated channel subunit alpha1 A; minus strand), LOC126862864 (MED14-independent group 3 enhancer GRCh37_chr19:13371552-13372751; plus strand). Cytogenetic location: 19p13.13.
Variant type: single nucleotide variant.
Coding change: c.4145T>C on transcript NM_001127222.2 (MANE Select); coding-DNA position 4145, T replaced by C.
Protein change: p.Val1382Ala; replaces valine 1382 with alanine.
Molecular consequence: missense variant.
Genome position (GRCh38, 1-based): chr19:13,261,555, A>G on the plus strand (T>C on the coding strand, the complement: CACNA1A is on the minus strand). VCF-style: chr19-13261555-A-G. GRCh37 (hg19) VCF-style: chr19-13372369-A-G.
Other names: c.4157T>C, p.Val1386Ala (NM_000068.4, NM_023035.3); c.4148T>C, p.Val1383Ala (NM_001127221.2, NM_001174080.2); short protein forms V1382A, V1383A, V1386A.
Identifiers: ClinVar variation 4789721 (VCV004789721.1).